The following is an entry in ClinVar:

ClinVar aggregate classification (germline): Uncertain significance (1 of 4 stars; one submission).

Submission:

Ambry Genetics
Classification: Uncertain significance. Last evaluated: 2021-07-01. Review status: criteria provided, single submitter. Criteria: Ambry Variant Classification Scheme 2023. Collection method: clinical testing. Allele origin: germline.
Comment: The p.F627I variant (also known as c.1879T>A), located in coding exon 1 of the MLH3 gene, results from a T to A substitution at nucleotide position 1879. The phenylalanine at codon 627 is replaced by isoleucine, an amino acid with highly similar properties. This amino acid position is not well conserved in available vertebrate species. In addition, this alteration is predicted to be tolerated by in silico analysis. Since supporting evidence is limited at this time, the clinical significance of this alteration remains unclear.

NM_001040108.2(MLH3):c.1879T>A (p.Phe627Ile)

Gene: MLH3 (mutL homolog 3; minus strand). Cytogenetic location: 14q24.3.
Variant type: single nucleotide variant.
Coding change: c.1879T>A on transcript NM_001040108.2 (MANE Select); coding-DNA position 1879, T replaced by A.
Protein change: p.Phe627Ile; replaces phenylalanine 627 with isoleucine.
Molecular consequence: missense variant.
Genome position (GRCh38, 1-based): chr14:75,047,777, A>T on the plus strand (T>A on the coding strand, the complement: MLH3 is on the minus strand). VCF-style: chr14-75047777-A-T. GRCh37 (hg19) VCF-style: chr14-75514480-A-T.
Other names: c.1879T>A, p.Phe627Ile (NM_014381.3); short protein forms F627I.
Identifiers: ClinVar variation 1781849 (VCV001781849.2), dbSNP rs765493144, ClinGen allele CA390443950.